The following is an entry in ClinVar:

ClinVar aggregate classification (germline): Uncertain significance (1 of 4 stars; one submission).

Conditions:
Autosomal recessive limb-girdle muscular dystrophy type 2J (LGMDR10). Also called: Limb-girdle muscular dystrophy, type 2J; MUSCULAR DYSTROPHY, LIMB-GIRDLE, AUTOSOMAL RECESSIVE 10. Identifiers: Orphanet 140922, MedGen C1837342, MONDO:0012127, OMIM 608807.
Dilated cardiomyopathy 1G (CMD1G). Identifiers: Orphanet 154, MedGen C1858763, MONDO:0011400, OMIM 604145.

Submission:

Labcorp Genetics (formerly Invitae), Labcorp
Classification: Uncertain significance for Dilated cardiomyopathy 1G; Autosomal recessive limb-girdle muscular dystrophy type 2J. Last evaluated: 2022-02-18. Review status: criteria provided, single submitter. Criteria: Invitae Variant Classification Sherloc (09022015). Collection method: clinical testing. Allele origin: germline.
Comment: This variant is located in the M band of TTN (PMID: 25589632). Variants in this region may be relevant for neuromuscular disorders, but have not been definitively shown to cause cardiomyopathy (PMID: 23975875). In summary, the available evidence is currently insufficient to determine the role of this variant in disease. Therefore, it has been classified as a Variant of Uncertain Significance. Experimental studies and prediction algorithms are not available or were not evaluated, and the functional significance of this variant is currently unknown. This variant has not been reported in the literature in individuals affected with TTN-related conditions. This variant is not present in population databases (gnomAD no frequency). This sequence change replaces proline, which is neutral and non-polar, with arginine, which is basic and polar, at codon 34700 of the TTN protein (p.Pro34700Arg).

Literature cited by the submitters: PubMed 25589632; PubMed 23975875.

NM_001267550.2(TTN):c.104099C>G (p.Pro34700Arg)

Genes: TTN (titin; minus strand), TTN-AS1 (TTN antisense RNA 1; plus strand). Cytogenetic location: 2q31.2.
Variant type: single nucleotide variant.
Coding change: c.104099C>G on transcript NM_001267550.2 (MANE Select); coding-DNA position 104099, C replaced by G.
Protein change: p.Pro34700Arg; replaces proline 34700 with arginine.
Molecular consequence: missense variant.
Genome position (GRCh38, 1-based): chr2:178,532,516, G>C on the plus strand (C>G on the coding strand, the complement: TTN is on the minus strand). VCF-style: chr2-178532516-G-C. GRCh37 (hg19) VCF-style: chr2-179397243-G-C.
Other names: c.99176C>G, p.Pro33059Arg (NM_001256850.1); c.76904C>G, p.Pro25635Arg (NM_003319.4); c.96395C>G, p.Pro32132Arg (NM_133378.4); c.77279C>G, p.Pro25760Arg (NM_133432.3); c.77480C>G, p.Pro25827Arg (NM_133437.4); short protein forms P25635R, P25760R, P25827R, P32132R, P33059R, P34700R.
Identifiers: ClinVar variation 2419837 (VCV002419837.5), dbSNP rs757181586, ClinGen allele CA349412524.
Genomic context (GRCh38, chr2:178,532,516, plus strand): 5'-TCCACCTTGACATGAGCTTGTGGTGAAGAGTAACGTAGGCTAGAAAGCTCAAAGTGTGGA[G>C]GGCTTCGACTTGGGGGTGAAGCTGAAAAACCTAACTCAAGCTCTTCTTCAAGACGCAGCC-3'
Protein context (NP_001254479.2, residues 34690-34710): GFSASPPSRS[Pro34700Arg]PHFELSSLRY